The following is an entry in ClinVar:

NM_018077.3(RBM28):c.2178G>A (p.Thr726=)

Gene: RBM28 (RNA binding motif protein 28; minus strand). Cytogenetic location: 7q32.1.
Variant type: single nucleotide variant.
Coding change: c.2178G>A on transcript NM_018077.3 (MANE Select); coding-DNA position 2178, G replaced by A.
Protein change: p.Thr726=; no amino-acid change (threonine 726 retained).
Molecular consequence: synonymous variant.
Genome position (GRCh38, 1-based): chr7:128,310,899, C>T on the plus strand (G>A on the coding strand, the complement: RBM28 is on the minus strand). VCF-style: chr7-128310899-C-T. GRCh37 (hg19) VCF-style: chr7-127950952-C-T.
Other names: c.1755G>A, p.Thr585= (NM_001166135.2); c.2178G>A (NM_018077.2).
Identifiers: ClinVar variation 2657982 (VCV002657982.26), dbSNP rs143664352, ClinGen allele CA4469767.
Genomic context (GRCh38, chr7:128,310,899, plus strand): 5'-TTTAGAAGGTCCCAATAATTTCTGCTTATATTGTTCGACCAGCTGGTTGAAGCGGGTTTC[C>T]GTCTTATTTCCCTTAGCTTTTTTCCTAGATACCTACAAATGAAAGGATTAGAAACATAAT-3'
Protein context (NP_060547.2, residues 716-736): VSRKKAKGNK[Thr726=]ETRFNQLVEQ

ClinVar aggregate classification (germline): Likely benign. Review status: criteria provided, multiple submitters, no conflicts (2 of 4 stars). 3 submissions from 3 submitters: Likely benign (2). 1 of the submissions does not count toward it. Last evaluated 2024-11-23.

Conditions:
RBM28-related disorder. Also called: RBM28-related condition.

Allele frequency attached by ClinVar (database versions not stated): ExAC 0.00043; ESP Exome Variant Server 0.00046; gnomAD 0.00052; TOPMed 0.00053; gnomAD exomes 0.00062.
gnomAD v4.1: 1,008 of 1,613,556 alleles (0.062%); highest among the groups gnomAD compares: Non-Finnish European, 0.067%; 1 homozygote.

Submissions (3):

Blueprint Genetics
Classification: Likely benign. Last evaluated: 2024-11-23. Review status: criteria provided, single submitter. Criteria: ACMG Guidelines, 2015. Collection method: clinical testing. Allele origin: germline.

CeGaT Center for Human Genetics Tuebingen
Classification: Likely benign. Last evaluated: 2022-03-01. Review status: criteria provided, single submitter. Criteria: CeGaT Center For Human Genetics Tuebingen Variant Classification Criteria Version 2. Collection method: clinical testing. Allele origin: germline. Affected: yes. Observed: 1 variant allele.
Comment: RBM28: BP4, BP7

PreventionGenetics, part of Exact Sciences
Classification: Likely benign for RBM28-related condition. Last evaluated: 2019-05-23. Review status: no assertion criteria provided. Collection method: clinical testing. Allele origin: germline. Not counted in ClinVar's aggregate classification.
Comment: This variant is classified as likely benign based on ACMG/AMP sequence variant interpretation guidelines (Richards et al. 2015 PMID: 25741868, with internal and published modifications).